The following is an entry in ClinVar:

NM_022489.4(INF2):c.1269A>C (p.Pro423=)

Gene: INF2 (inverted formin 2; plus strand). Cytogenetic location: 14q32.33.
Variant type: single nucleotide variant.
Coding change: c.1269A>C on transcript NM_022489.4 (MANE Select); coding-DNA position 1269, A replaced by C.
Protein change: p.Pro423=; no amino-acid change (proline 423 retained).
Molecular consequence: synonymous variant.
Genome position (GRCh38, 1-based): chr14:104,707,536, A>C. VCF-style: chr14-104707536-A-C. GRCh37 (hg19) VCF-style: chr14-105173873-A-C.
Other names: c.1269A>C, p.Pro423= (NM_001031714.4).
Identifiers: ClinVar variation 882385 (VCV000882385.5), dbSNP rs750660584, ClinGen allele CA7372542.
Genomic context (GRCh38, chr14:104,707,536, plus strand): 5'-GAGCATCCTGAAAGTTTCGCAGCCCAGAGCCCTGGAGCAGCAGGCGTCCACCCCACCCCC[A>C]CCCCCACCCCCACCCCTGCTCCCTGGTTCCAGTGCCGAGCCCCCTCCCCCTCCCCCACCA-3'
Protein context (NP_071934.3, residues 413-433): ALEQQASTPP[Pro423=]PPPPPLLPGS

ClinVar aggregate classification (germline): Benign. Review status: criteria provided, multiple submitters, no conflicts (2 of 4 stars). 2 submissions from 2 submitters: Benign (2). Last evaluated 2018-01-12.

Conditions:
Focal segmental glomerulosclerosis 5 (FSGS5). Identifiers: Orphanet 656, MedGen C2750475, MONDO:0013191, OMIM 613237.

Allele frequency attached by ClinVar (database versions not stated): ExAC 0.00169; gnomAD exomes 0.00746.

Submissions (2):

Illumina Laboratory Services, Illumina
Classification: Benign for Focal segmental glomerulosclerosis 5. Last evaluated: 2018-01-12. Review status: criteria provided, single submitter. Criteria: ICSL Variant Classification Criteria 13 December 2019. Collection method: clinical testing. Allele origin: germline.
Comment: This variant was observed in the ICSL laboratory as part of a predisposition screen in an ostensibly healthy population. It had not been previously curated by ICSL or reported in the Human Gene Mutation Database (HGMD: prior to June 1st, 2018), and was therefore a candidate for classification through an automated scoring system. Utilizing variant allele frequency, disease prevalence and penetrance estimates, and inheritance mode, an automated score was calculated to assess if this variant is too frequent to cause the disease. Based on the score and internal cut-off values, a variant classified as benign is not then subjected to further curation. The score for this variant resulted in a classification of benign for this disease.

Breakthrough Genomics
Classification: Benign. Review status: criteria provided, single submitter. Criteria: ACMG Guidelines, 2015. Collection method: not provided. Allele origin: germline. Inheritance: Autosomal dominant inheritance. Affected: yes.